The following is an entry in ClinVar:

NM_000277.3(PAH):c.912+3A>C

Genes: PAH (phenylalanine hydroxylase; minus strand), LOC126861615 (CDK7 strongly-dependent group 2 enhancer GRCh37_chr12:103244689-103245888; plus strand). Cytogenetic location: 12q23.2.
Variant type: single nucleotide variant.
Coding change: c.912+3A>C on transcript NM_000277.3 (MANE Select); 3 bases into the intron after coding-DNA position 912, A replaced by C.
Molecular consequence: intron variant.
Genome position (GRCh38, 1-based): chr12:102,851,684, T>G on the plus strand (A>C on the coding strand, the complement: PAH is on the minus strand). VCF-style: chr12-102851684-T-G. GRCh37 (hg19) VCF-style: chr12-103245462-T-G.
Other names: c.912+3A>C (NM_001354304.2).
Identifiers: ClinVar variation 120293 (VCV000120293.6), dbSNP rs281865450, ClinGen allele CA267685.

ClinVar aggregate classification (germline): Uncertain significance. Review status: reviewed by expert panel (3 of 4 stars). 3 submissions from 3 submitters: Uncertain significance (1). 2 of the submissions do not count toward it. Last evaluated 2019-11-08.

Conditions:
Phenylketonuria (PKU). Also called: Phenylketonuria (PKU); FOLLING DISEASE; OLIGOPHRENIA PHENYLPYRUVICA; Phenylketonurias. Identifiers: Orphanet 716, MedGen C0031485, MONDO:0009861, OMIM 261600. Disease mechanism: loss of function.

Submissions (3):

ClinGen PAH Variant Curation Expert Panel
Classification: Uncertain significance for Phenylketonuria. Last evaluated: 2019-11-08. Review status: reviewed by expert panel. Criteria: ClinGen PAH ACMG Specifications v1. Collection method: curation. Allele origin: germline. Inheritance: Autosomal recessive inheritance.
Comment: The c.912+3A>C variant in PAH has not been reported in the medical literature to the best of our knowledge. This variant is absent from gnomAD and the ESP population databases. This is an intronic variant in a highly conserved nucleotide, and computational analyses (Alamut v.2.11) predict that this variant may impact splicing by reducing (~30%) the canonical donor splice site. Given the absence of clinical information and mRNA functional studies, the significance of the c.912+3A>C variant can not be determined with certainty. PAH-specific ACMG/AMP criteria applied: PP3, PM2.

Labcorp Genetics (formerly Invitae), Labcorp
Classification: Likely pathogenic for Phenylketonuria. Last evaluated: 2023-04-09. Review status: criteria provided, single submitter. Criteria: Invitae Variant Classification Sherloc (09022015). Collection method: clinical testing. Allele origin: germline. Not counted in ClinVar's aggregate classification.
Comment: In summary, the currently available evidence indicates that the variant is pathogenic, but additional data are needed to prove that conclusively. Therefore, this variant has been classified as Likely Pathogenic. Variants that disrupt the consensus splice site are a relatively common cause of aberrant splicing (PMID: 17576681, 9536098). Algorithms developed to predict the effect of sequence changes on RNA splicing suggest that this variant may disrupt the consensus splice site. ClinVar contains an entry for this variant (Variation ID: 120293). This variant has been observed in individual(s) with hyperphenylalaninemia (PMID: 32668217; Invitae; BIOPKU). This variant is not present in population databases (gnomAD no frequency). This sequence change falls in intron 8 of the PAH gene. It does not directly change the encoded amino acid sequence of the PAH protein. It affects a nucleotide within the consensus splice site.

Inserm U 954, Faculté de Médecine de Nancy
Classification: Likely pathogenic for Phenylketonuria. Review status: no assertion criteria provided. Collection method: not provided. Allele origin: unknown. Not counted in ClinVar's aggregate classification.
ClinVar note: Converted during submission from probable-pathogenic to Likely pathogenic.

Literature cited by the submitters: PubMed 17576681 (cited by Labcorp Genetics (formerly Invitae), Labcorp); PubMed 9536098 (cited by Labcorp Genetics (formerly Invitae), Labcorp); PubMed 32668217 (cited by Labcorp Genetics (formerly Invitae), Labcorp).